The following is an entry in ClinVar:

NM_014956.5(CEP164):c.247A>G (p.Met83Val)

Gene: CEP164 (centrosomal protein 164; plus strand). Cytogenetic location: 11q23.3.
Variant type: single nucleotide variant.
Coding change: c.247A>G on transcript NM_014956.5 (MANE Select); coding-DNA position 247, A replaced by G.
Protein change: p.Met83Val; replaces methionine 83 with valine.
Molecular consequence: missense variant.
Genome position (GRCh38, 1-based): chr11:117,351,842, A>G. VCF-style: chr11-117351842-A-G. GRCh37 (hg19) VCF-style: chr11-117222558-A-G.
Other names: c.247A>G, p.Met83Val (NM_001271933.2, NM_001440949.1, NM_001440950.1 and 36 more transcripts); c.109A>G, p.Met37Val (NM_001440960.1); short protein forms M83V, M37V.
Identifiers: ClinVar variation 4978679 (VCV004978679.1).

ClinVar aggregate classification (germline): Uncertain significance (1 of 4 stars; one submission).

Conditions:
CEP164-related disorder. Also called: CEP164-related condition.

gnomAD v4.1: 41 of 1,613,204 alleles (0.0025%); highest among the groups gnomAD compares: South Asian, 0.029%; no homozygotes.

Submission:

PreventionGenetics, part of Exact Sciences
Classification: Uncertain significance for CEP164-related condition. Last evaluated: 2025-02-13. Review status: criteria provided, single submitter. Criteria: ACMG Guidelines, 2015. Collection method: clinical testing. Allele origin: germline.
Comment: The CEP164 c.247A>G variant is predicted to result in the amino acid substitution p.Met83Val. To our knowledge, this variant has not been reported in the literature. This variant is reported in 0.042% of alleles in individuals of South Asian descent in gnomAD. At this time, the clinical significance of this variant is uncertain due to the absence of conclusive functional and genetic evidence.